The following is an entry in ClinVar:

ClinVar aggregate classification (germline): Uncertain significance (1 of 4 stars; one submission).

Conditions:
Nephronophthisis. Also called: Juvenile Nephronophthisis. Identifiers: Orphanet 655, MedGen C0687120, MONDO:0019005, HP:0000090.
Meckel-Gruber syndrome. Also called: DYSENCEPHALIA SPLANCHNOCYSTICA; GRUBER SYNDROME; Dysencephalia splachnocystica. Identifiers: Orphanet 564, MedGen C0265215, MONDO:0018921.
Joubert syndrome. Also called: CEREBELLOPARENCHYMAL DISORDER IV; JOUBERT-BOLTSHAUSER SYNDROME; Familial aplasia of the vermis. Identifiers: Orphanet 475, MedGen C5979921, MONDO:0018772.

Submission:

Labcorp Genetics (formerly Invitae), Labcorp
Classification: Uncertain significance for Joubert syndrome; Meckel-Gruber syndrome; Nephronophthisis. Last evaluated: 2022-09-17. Review status: criteria provided, single submitter. Criteria: Invitae Variant Classification Sherloc (09022015). Collection method: clinical testing. Allele origin: germline.
Comment: This sequence change replaces histidine, which is basic and polar, with arginine, which is basic and polar, at codon 2116 of the CEP290 protein (p.His2116Arg). This variant is not present in population databases (gnomAD no frequency). This variant has not been reported in the literature in individuals affected with CEP290-related conditions. Advanced modeling of protein sequence and biophysical properties (such as structural, functional, and spatial information, amino acid conservation, physicochemical variation, residue mobility, and thermodynamic stability) performed at Invitae indicates that this missense variant is not expected to disrupt CEP290 protein function. In summary, the available evidence is currently insufficient to determine the role of this variant in disease. Therefore, it has been classified as a Variant of Uncertain Significance.

NM_025114.4(CEP290):c.6347A>G (p.His2116Arg)

Genes: CEP290 (centrosomal protein 290; minus strand), LOC129390514 (MPRA-validated peak1864 silencer; plus strand). Cytogenetic location: 12q21.32.
Variant type: single nucleotide variant.
Coding change: c.6347A>G on transcript NM_025114.4 (MANE Select); coding-DNA position 6347, A replaced by G.
Protein change: p.His2116Arg; replaces histidine 2116 with arginine.
Molecular consequence: missense variant.
Genome position (GRCh38, 1-based): chr12:88,062,702, T>C on the plus strand (A>G on the coding strand, the complement: CEP290 is on the minus strand). VCF-style: chr12-88062702-T-C. GRCh37 (hg19) VCF-style: chr12-88456479-T-C.
Other names: short protein forms H2116R.
Identifiers: ClinVar variation 1719677 (VCV001719677.3), dbSNP rs2499595409, ClinGen allele CA385979094.